The following is an entry in ClinVar:

ClinVar aggregate classification (germline): Uncertain significance. Review status: criteria provided, multiple submitters, no conflicts (2 of 4 stars). 2 submissions from 2 submitters: Uncertain significance (2). Last evaluated 2026-07-16.

Conditions:
Dilated cardiomyopathy 1G (CMD1G). Identifiers: Orphanet 154, MedGen C1858763, MONDO:0011400, OMIM 604145.
Autosomal recessive limb-girdle muscular dystrophy type 2J (LGMDR10). Also called: MUSCULAR DYSTROPHY, LIMB-GIRDLE, AUTOSOMAL RECESSIVE 10; Limb-girdle muscular dystrophy, type 2J. Identifiers: Orphanet 140922, MedGen C1837342, MONDO:0012127, OMIM 608807.
TTN-related disorder. Also called: TTN-related condition; TTN-related disease; TTN-related disorders.

Allele frequency attached by ClinVar (database versions not stated): gnomAD exomes 0.00001; TOPMed 0.00001; ExAC 0.00002.
gnomAD v4.1: 4 of 1,614,008 alleles (0.00025%); highest among the groups gnomAD compares: Admixed American, 0.0017%; no homozygotes.

Submissions (2):

PreventionGenetics, part of Exact Sciences
Classification: Uncertain significance for TTN-related condition. Last evaluated: 2026-07-16. Review status: criteria provided, single submitter. Criteria: ACMG Guidelines, 2015. Collection method: clinical testing. Allele origin: germline.
Comment: The TTN c.7600A>G variant is predicted to result in the amino acid substitution p.Lys2534Glu. To our knowledge, this variant has not been reported in the literature. This variant is reported in 0.0029% of alleles in individuals of Latino descent in gnomAD. At this time, the clinical significance of this variant is uncertain due to the absence of conclusive functional and genetic evidence.

Labcorp Genetics (formerly Invitae), Labcorp
Classification: Uncertain significance for Dilated cardiomyopathy 1G; Autosomal recessive limb-girdle muscular dystrophy type 2J. Last evaluated: 2017-11-15. Review status: criteria provided, single submitter. Criteria: Invitae Variant Classification Sherloc (09022015). Collection method: clinical testing. Allele origin: germline.

NM_001267550.2(TTN):c.7600A>G (p.Lys2534Glu)

Gene: TTN (titin; minus strand). Cytogenetic location: 2q31.2.
Variant type: single nucleotide variant.
Coding change: c.7600A>G on transcript NM_001267550.2 (MANE Select); coding-DNA position 7600, A replaced by G.
Protein change: p.Lys2534Glu; replaces lysine 2534 with glutamic acid.
Molecular consequence: missense variant.
Genome position (GRCh38, 1-based): chr2:178,773,364, T>C on the plus strand (A>G on the coding strand, the complement: TTN is on the minus strand). VCF-style: chr2-178773364-T-C. GRCh37 (hg19) VCF-style: chr2-179638091-T-C.
Other names: c.7600A>G, p.Lys2534Glu (NM_001256850.1, NM_133378.4, NM_133379.5); c.7462A>G, p.Lys2488Glu (NM_003319.4, NM_133432.3, NM_133437.4); short protein forms K2534E, K2488E.
Identifiers: ClinVar variation 535591 (VCV000535591.4), dbSNP rs767167863, ClinGen allele CA2004775.
Genomic context (GRCh38, chr2:178,773,364, plus strand): 5'-CCTCAAACACCACATTTTGAGTTTCTGTACAGGTAAGGTCACGAAGACCTCTGATAATTT[T>C]AATTTCTGGGGAAAAAATAAAATAATCTCTTGGTTATTGTTACACTGGGAAAGTAGAATG-3'
Protein context (NP_001254479.2, residues 2524-2544): TNCNLSVEKI[Lys2534Glu]IIRGLRDLTC